The following is an entry in ClinVar:

NM_005228.5(EGFR):c.581G>C (p.Cys194Ser)

Gene: EGFR (epidermal growth factor receptor; plus strand). Cytogenetic location: 7p11.2.
Variant type: single nucleotide variant.
Coding change: c.581G>C on transcript NM_005228.5 (MANE Select); coding-DNA position 581, G replaced by C.
Protein change: p.Cys194Ser; replaces cysteine 194 with serine.
Molecular consequence: missense variant. On other transcripts: intron variant (1).
Genome position (GRCh38, 1-based): chr7:55,151,315, G>C. VCF-style: chr7-55151315-G-C. GRCh37 (hg19) VCF-style: chr7-55219008-G-C.
Other names: c.446G>C, p.Cys149Ser (NM_001346897.2, NM_001346899.2); c.581G>C, p.Cys194Ser (NM_001346898.2, NM_201282.2, NM_201283.2 and 1 more transcripts); c.422G>C, p.Cys141Ser (NM_001346900.2); c.89-4515G>C (NM_001346941.2); short protein forms C141S, C149S, C194S.
Identifiers: ClinVar variation 1721482 (VCV001721482.6), dbSNP rs2128932504, ClinGen allele CA367576830.

ClinVar aggregate classification (germline): Uncertain significance. Review status: criteria provided, multiple submitters, no conflicts (2 of 4 stars). 2 submissions from 2 submitters: Uncertain significance (2). Last evaluated 2026-06-17.

Conditions:
EGFR-related lung cancer (EGFR). Identifiers: MedGen CN130014.
Hereditary cancer-predisposing syndrome. Also called: Tumor predisposition; Hereditary neoplastic syndrome; Neoplastic Syndromes, Hereditary; Hereditary Cancer Syndrome. Identifiers: Orphanet 140162, MedGen C0027672, MeSH D009386, MONDO:0015356.

Allele frequency attached by ClinVar (database versions not stated): gnomAD exomes below 0.00001.
gnomAD v4.1: 1 of 1,614,188 alleles (0.000062%); highest among the groups gnomAD compares: Non-Finnish European, 0.000085%; no homozygotes.

Submissions (2):

Ambry Genetics
Classification: Uncertain significance for Hereditary cancer-predisposing syndrome. Last evaluated: 2026-06-17. Review status: criteria provided, single submitter. Criteria: Ambry Variant Classification Scheme 2023. Collection method: clinical testing. Allele origin: germline.
Comment: The p.C194S variant (also known as c.581G>C), located in coding exon 5 of the EGFR gene, results from a G to C substitution at nucleotide position 581. The cysteine at codon 194 is replaced by serine, an amino acid with dissimilar properties. This amino acid position is highly conserved in available vertebrate species. In addition, this alteration is predicted to be deleterious by in silico analysis. Based on the available evidence, the clinical significance of this variant remains unclear.

Labcorp Genetics (formerly Invitae), Labcorp
Classification: Uncertain significance for EGFR-related lung cancer. Last evaluated: 2022-10-12. Review status: criteria provided, single submitter. Criteria: Invitae Variant Classification Sherloc (09022015). Collection method: clinical testing. Allele origin: germline.
Comment: Advanced modeling of protein sequence and biophysical properties (such as structural, functional, and spatial information, amino acid conservation, physicochemical variation, residue mobility, and thermodynamic stability) has been performed at Invitae for this missense variant, however the output from this modeling did not meet the statistical confidence thresholds required to predict the impact of this variant on EGFR protein function. This variant has not been reported in the literature in individuals affected with EGFR-related conditions. This variant is not present in population databases (gnomAD no frequency). This sequence change replaces cysteine, which is neutral and slightly polar, with serine, which is neutral and polar, at codon 194 of the EGFR protein (p.Cys194Ser). In summary, the available evidence is currently insufficient to determine the role of this variant in disease. Therefore, it has been classified as a Variant of Uncertain Significance.